The following is an entry in ClinVar:

NM_015272.5(RPGRIP1L):c.3790G>A (p.Asp1264Asn)

Gene: RPGRIP1L (RPGRIP1 like; minus strand). Cytogenetic location: 16q12.2.
Variant type: single nucleotide variant.
Coding change: c.3790G>A on transcript NM_015272.5 (MANE Select); coding-DNA position 3790, G replaced by A.
Protein change: p.Asp1264Asn; replaces aspartic acid 1264 with asparagine.
Molecular consequence: missense variant.
Genome position (GRCh38, 1-based): chr16:53,605,526, C>T on the plus strand (G>A on the coding strand, the complement: RPGRIP1L is on the minus strand). VCF-style: chr16-53605526-C-T. GRCh37 (hg19) VCF-style: chr16-53639438-C-T.
Other names: p.D1264N:GAC>AAC; c.3790G>A (NM_015272.4); c.3550G>A, p.Asp1184Asn (NM_001127897.4); c.3652G>A, p.Asp1218Asn (NM_001308334.3); c.3688G>A, p.Asp1230Asn (NM_001330538.2); short protein forms D1184N, D1264N, D1218N, D1230N.
Identifiers: ClinVar variation 126279 (VCV000126279.31), dbSNP rs3213758, ClinGen allele CA150948.

ClinVar aggregate classification (germline): Benign/Likely benign. Review status: criteria provided, multiple submitters, no conflicts (2 of 4 stars). 17 submissions from 14 submitters: Benign (9); Likely benign (3). 5 of the submissions do not count toward it. Last evaluated 2026-02-04.

Conditions:
Joubert syndrome. Also called: Familial aplasia of the vermis; JOUBERT-BOLTSHAUSER SYNDROME. Identifiers: Orphanet 475, MedGen C5979921, MONDO:0018772.
Meckel-Gruber syndrome. Also called: Dysencephalia splachnocystica; GRUBER SYNDROME; DYSENCEPHALIA SPLANCHNOCYSTICA. Identifiers: Orphanet 564, MedGen C0265215, MONDO:0018921.
Nephronophthisis 8. Identifiers: MedGen CN119610.
Meckel syndrome, type 5 (MKS5). Identifiers: Orphanet 564, MedGen C1969052, MONDO:0012695, OMIM 611561.
Joubert syndrome 7 (JBTS7). Identifiers: Orphanet 220497, MedGen C1969053, MONDO:0012694, OMIM 611560.

Allele frequency attached by ClinVar (database versions not stated): ESP Exome Variant Server 0.04101; gnomAD 0.04663 and 0.05087; TOPMed 0.05213; gnomAD exomes 0.06182 and 0.07294; ExAC 0.07283; 1000 Genomes Project 30x 0.09291; 1000 Genomes Project 0.09904.
gnomAD v4.1: 98,653 of 1,613,892 alleles (6.1%); highest among the groups gnomAD compares: East Asian, 28%; 4,510 homozygotes.

Submissions (17):

Labcorp Genetics (formerly Invitae), Labcorp
Classification: Benign for Joubert syndrome; Meckel-Gruber syndrome. Last evaluated: 2026-02-04. Review status: criteria provided, single submitter. Criteria: Invitae Variant Classification Sherloc (09022015). Collection method: clinical testing. Allele origin: germline.

Blueprint Genetics
Classification: Likely benign. Last evaluated: 2024-11-27. Review status: criteria provided, single submitter. Criteria: ACMG Guidelines, 2015. Collection method: clinical testing. Allele origin: germline.

Mayo Clinic Laboratories, Mayo Clinic
Classification: Benign. Last evaluated: 2023-02-03. Review status: criteria provided, single submitter. Criteria: ACMG Guidelines, 2015. Collection method: clinical testing. Allele origin: germline. Observed: 72 variant alleles.
Comment: BA1, BP4

Women's Health and Genetics/Laboratory Corporation of America, LabCorp
Classification: Likely benign. Last evaluated: 2021-12-10. Review status: criteria provided, single submitter. Criteria: LabCorp Variant Classification Summary - May 2015. Collection method: clinical testing. Allele origin: germline.

Genome-Nilou Lab
Classification: Benign for Joubert syndrome 7. Last evaluated: 2021-07-10. Review status: criteria provided, single submitter. Criteria: ACMG Guidelines, 2015. Collection method: clinical testing. Allele origin: germline. Affected: no.

Genome-Nilou Lab
Classification: Benign for Meckel syndrome, type 5. Last evaluated: 2021-07-10. Review status: criteria provided, single submitter. Criteria: ACMG Guidelines, 2015. Collection method: clinical testing. Allele origin: germline. Affected: no.

Illumina Laboratory Services, Illumina
Classification: Benign for Nephronophthisis 8. Last evaluated: 2018-03-06. Review status: criteria provided, single submitter. Criteria: ICSL Variant Classification Criteria 13 December 2019. Collection method: clinical testing. Allele origin: germline.
Comment: This variant was observed in the ICSL laboratory as part of a predisposition screen in an ostensibly healthy population. It had not been previously curated by ICSL or reported in the Human Gene Mutation Database (HGMD: prior to June 1st, 2018), and was therefore a candidate for classification through an automated scoring system. Utilizing variant allele frequency, disease prevalence and penetrance estimates, and inheritance mode, an automated score was calculated to assess if this variant is too frequent to cause the disease. Based on the score and internal cut-off values, a variant classified as benign is not then subjected to further curation. The score for this variant resulted in a classification of benign for this disease.

Illumina Laboratory Services, Illumina
Classification: Benign for Joubert syndrome 7. Last evaluated: 2018-03-06. Review status: criteria provided, single submitter. Criteria: ICSL Variant Classification Criteria 13 December 2019. Collection method: clinical testing. Allele origin: germline.
Comment: the same text as in the submission from Illumina Laboratory Services, Illumina above.

Illumina Laboratory Services, Illumina
Classification: Benign for Meckel syndrome, type 5. Last evaluated: 2018-03-06. Review status: criteria provided, single submitter. Criteria: ICSL Variant Classification Criteria 13 December 2019. Collection method: clinical testing. Allele origin: germline.
Comment: the same text as in the submission from Illumina Laboratory Services, Illumina above.

GeneDx
Classification: Benign. Last evaluated: 2014-01-30. Review status: criteria provided, single submitter. Criteria: GeneDx Variant Classification (06012015). Collection method: clinical testing. Allele origin: germline. Affected: yes.
Comment: This variant is considered likely benign or benign based on one or more of the following criteria: it is a conservative change, it occurs at a poorly conserved position in the protein, it is predicted to be benign by multiple in silico algorithms, and/or has population frequency not consistent with disease.

Breakthrough Genomics
Classification: Likely benign. Review status: criteria provided, single submitter. Criteria: ACMG Guidelines, 2015. Collection method: not provided. Allele origin: germline. Inheritance: Autosomal recessive inheritance. Affected: yes.

PreventionGenetics, part of Exact Sciences
Classification: Benign. Review status: criteria provided, single submitter. Criteria: ACMG Guidelines, 2015. Collection method: clinical testing. Allele origin: germline.

Natera, Inc.
Classification: Benign for Joubert syndrome. Last evaluated: 2020-09-16. Review status: no assertion criteria provided. Collection method: clinical testing. Allele origin: germline. Not counted in ClinVar's aggregate classification.

Clinical Genetics DNA and cytogenetics Diagnostics Lab, Erasmus MC, Erasmus Medical Center
Classification: Benign. Review status: no assertion criteria provided. Collection method: clinical testing. Allele origin: germline. Affected: yes. Study: VKGL Data-share Consensus. Not counted in ClinVar's aggregate classification.

Department of Ophthalmology and Visual Sciences Kyoto University
Classification: Likely benign. Review status: no assertion criteria provided. Collection method: not provided. Allele origin: unknown. Not counted in ClinVar's aggregate classification.
ClinVar note: Converted during submission from probable-non-pathogenic to Likely benign.

Genetic Services Laboratory, University of Chicago
Classification: Likely benign for AllHighlyPenetrant. Review status: no assertion criteria provided. Collection method: clinical testing. Allele origin: germline. Inheritance: Autosomal recessive inheritance. Observed: 78 variant alleles. Not counted in ClinVar's aggregate classification.
Comment: Likely benign based on allele frequency in 1000 Genomes Project or ESP global frequency and its presence in a patient with a rare or unrelated disease phenotype. NOT Sanger confirmed.

Genome Diagnostics Laboratory, University Medical Center Utrecht
Classification: Benign. Review status: no assertion criteria provided. Collection method: clinical testing. Allele origin: germline. Affected: yes. Study: VKGL Data-share Consensus. Not counted in ClinVar's aggregate classification.